The following is an entry in ClinVar:

ClinVar aggregate classification (germline): Uncertain significance (1 of 4 stars; one submission).

Allele frequency attached by ClinVar (database versions not stated): gnomAD exomes 0.00001; ExAC 0.00002.
gnomAD v4.1: 4 of 1,612,892 alleles (0.00025%); highest among the groups gnomAD compares: Non-Finnish European, 0.00025%; no homozygotes.

Submission:

Ambry Genetics
Classification: Uncertain significance. Last evaluated: 2023-01-22. Review status: criteria provided, single submitter. Criteria: Ambry Variant Classification Scheme 2023. Collection method: clinical testing. Allele origin: germline.
Comment: The p.A163S variant (also known as c.487G>T), located in coding exon 1 of the EGLN2 gene, results from a G to T substitution at nucleotide position 487. The alanine at codon 163 is replaced by serine, an amino acid with similar properties. This amino acid position is conserved. In addition, this alteration is predicted to be tolerated by in silico analysis. Since supporting evidence is limited at this time, the clinical significance of this alteration remains unclear.

NM_080732.4(EGLN2):c.487G>T (p.Ala163Ser)

Genes: EGLN2 (egl-9 family hypoxia inducible factor 2; plus strand), RAB4B-EGLN2 (RAB4B-EGLN2 readthrough (NMD candidate); plus strand). Cytogenetic location: 19q13.2.
Variant type: single nucleotide variant.
Coding change: c.487G>T on transcript NM_080732.4 (MANE Select); coding-DNA position 487, G replaced by T.
Protein change: p.Ala163Ser; replaces alanine 163 with serine.
Molecular consequence: missense variant. On other transcripts: non-coding transcript variant (1).
Genome position (GRCh38, 1-based): chr19:40,801,059, G>T. VCF-style: chr19-40801059-G-T. GRCh37 (hg19) VCF-style: chr19-41306964-G-T.
Other names: c.487G>T, p.Ala163Ser (NM_053046.4); short protein forms A163S.
Identifiers: ClinVar variation 2451225 (VCV002451225.2), dbSNP rs778659160, ClinGen allele CA9452227.